The following is an entry in ClinVar:

NM_000232.5(SGCB):c.892G>A (p.Val298Met)

Gene: SGCB (sarcoglycan beta; minus strand). Cytogenetic location: 4q12.
Variant type: single nucleotide variant.
Coding change: c.892G>A on transcript NM_000232.5 (MANE Select); coding-DNA position 892, G replaced by A.
Protein change: p.Val298Met; replaces valine 298 with methionine.
Molecular consequence: missense variant.
Genome position (GRCh38, 1-based): chr4:52,024,022, C>T on the plus strand (G>A on the coding strand, the complement: SGCB is on the minus strand). VCF-style: chr4-52024022-C-T. GRCh37 (hg19) VCF-style: chr4-52890188-C-T.
Other names: short protein forms V298M.
Identifiers: ClinVar variation 574536 (VCV000574536.9), dbSNP rs1560565822, ClinGen allele CA356875045.

ClinVar aggregate classification (germline): Uncertain significance (1 of 4 stars; one submission).

Conditions:
Autosomal recessive limb-girdle muscular dystrophy type 2E (LGMDR4). Also called: MUSCULAR DYSTROPHY, LIMB-GIRDLE, AUTOSOMAL RECESSIVE 4. Identifiers: Orphanet 119, MedGen C1858593, MONDO:0011423, OMIM 604286. Disease mechanism: Affects gamma-sarcoglycan and also disrupts the integrity of the entire sarcoglycan complex..

Allele frequency attached by ClinVar (database versions not stated): TOPMed below 0.00001.

Submission:

Labcorp Genetics (formerly Invitae), Labcorp
Classification: Uncertain significance for Autosomal recessive limb-girdle muscular dystrophy type 2E. Last evaluated: 2022-08-06. Review status: criteria provided, single submitter. Criteria: Invitae Variant Classification Sherloc (09022015). Collection method: clinical testing. Allele origin: germline.
Comment: This sequence change replaces valine, which is neutral and non-polar, with methionine, which is neutral and non-polar, at codon 298 of the SGCB protein (p.Val298Met). In summary, the available evidence is currently insufficient to determine the role of this variant in disease. Therefore, it has been classified as a Variant of Uncertain Significance. Algorithms developed to predict the effect of missense changes on protein structure and function are either unavailable or do not agree on the potential impact of this missense change (SIFT: "Deleterious"; PolyPhen-2: "Possibly Damaging"; Align-GVGD: "Class C0"). ClinVar contains an entry for this variant (Variation ID: 574536). This variant has not been reported in the literature in individuals affected with SGCB-related conditions. This variant is not present in population databases (gnomAD no frequency).